The following is an entry in ClinVar:

NM_015158.5(KANK1):c.1760A>G (p.Glu587Gly)

Gene: KANK1 (KN motif and ankyrin repeat domains 1; plus strand). Cytogenetic location: 9p24.3.
Variant type: single nucleotide variant.
Coding change: c.1760A>G on transcript NM_015158.5 (MANE Select); coding-DNA position 1760, A replaced by G.
Protein change: p.Glu587Gly; replaces glutamic acid 587 with glycine.
Molecular consequence: missense variant. On other transcripts: non-coding transcript variant (1).
Genome position (GRCh38, 1-based): chr9:712,526, A>G. VCF-style: chr9-712526-A-G. GRCh37 (hg19) VCF-style: chr9-712526-A-G.
Other names: c.1760A>G, p.Glu587Gly (NM_001256876.3, NM_001256877.3, NM_001354331.2 and 2 more transcripts); c.1286A>G, p.Glu429Gly (NM_001354333.2, NM_001354335.2, NM_001354336.2 and 9 more transcripts); short protein forms E587G, E429G.
Identifiers: ClinVar variation 445752 (VCV000445752.44), dbSNP rs141234076, ClinGen allele CA4960309.

ClinVar aggregate classification (germline): Benign/Likely benign. Review status: criteria provided, multiple submitters, no conflicts (2 of 4 stars). 6 submissions from 6 submitters: Benign (2); Likely benign (4). Last evaluated 2026-02-01.

Allele frequency attached by ClinVar (database versions not stated): 1000 Genomes Project 0.00040; 1000 Genomes Project 30x 0.00047; ExAC 0.00189; gnomAD exomes 0.00210; ESP Exome Variant Server 0.00054; gnomAD 0.00066 and 0.00071; TOPMed 0.00118.
gnomAD v4.1: 1,136 of 1,614,146 alleles (0.07%); highest among the groups gnomAD compares: Admixed American, 0.8%; 4 homozygotes.

Submissions (6):

CeGaT Center for Human Genetics Tuebingen
Classification: Likely benign. Last evaluated: 2026-02-01. Review status: criteria provided, single submitter. Criteria: CeGaT Center For Human Genetics Tuebingen Variant Classification Criteria Version 2. Collection method: clinical testing. Allele origin: germline. Affected: yes. Observed: 4 variant alleles.
Comment: KANK1: BP4, BS2

Labcorp Genetics (formerly Invitae), Labcorp
Classification: Benign. Last evaluated: 2025-12-18. Review status: criteria provided, single submitter. Criteria: Invitae Variant Classification Sherloc (09022015). Collection method: clinical testing. Allele origin: germline.

Blueprint Genetics
Classification: Likely benign. Last evaluated: 2024-10-09. Review status: criteria provided, single submitter. Criteria: ACMG Guidelines, 2015. Collection method: clinical testing. Allele origin: germline.

GeneDx
Classification: Benign. Last evaluated: 2021-03-31. Review status: criteria provided, single submitter. Criteria: GeneDx Variant Classification Process June 2021. Collection method: clinical testing. Allele origin: germline. Affected: yes.

Center for Pediatric Genomic Medicine, Children's Mercy Hospital and Clinics
Classification: Likely benign. Last evaluated: 2017-05-30. Review status: criteria provided, single submitter. Criteria: ACMG Guidelines, 2015. Collection method: clinical testing. Allele origin: germline.

Breakthrough Genomics
Classification: Likely benign. Review status: criteria provided, single submitter. Criteria: ACMG Guidelines, 2015. Collection method: not provided. Allele origin: germline. Inheritance: Unknown mechanism. Affected: yes.